The following is an entry in ClinVar:

ClinVar aggregate classification (germline): Pathogenic/Likely pathogenic. Review status: criteria provided, multiple submitters, no conflicts (2 of 4 stars). 2 submissions from 2 submitters: Pathogenic (1); Likely pathogenic (1). Last evaluated 2025-12-15.

Conditions:
EYS-related disorder. Also called: EYS-related condition.

Submissions (2):

Labcorp Genetics (formerly Invitae), Labcorp
Classification: Pathogenic. Last evaluated: 2025-12-15. Review status: criteria provided, single submitter. Criteria: Invitae Variant Classification Sherloc (09022015). Collection method: clinical testing. Allele origin: germline.
Comment: This sequence change creates a premature translational stop signal (p.Lys3111Asnfs*2) in the EYS gene. While this is not anticipated to result in nonsense mediated decay, it is expected to disrupt the last 34 amino acid(s) of the EYS protein. This variant is present in population databases (no rsID available, gnomAD no frequency). This variant has not been reported in the literature in individuals affected with EYS-related conditions. ClinVar contains an entry for this variant (Variation ID: 1995288). This variant disrupts a region of the EYS protein in which other variant(s) (p.Tyr3135*) have been determined to be pathogenic (PMID: 18976725, 29159838, 30337596, 31074760). This suggests that this is a clinically significant region of the protein, and that variants that disrupt it are likely to be disease-causing. For these reasons, this variant has been classified as Pathogenic.

Blueprint Genetics
Classification: Likely pathogenic for EYS-related disorders. Last evaluated: 2022-01-08. Review status: criteria provided, single submitter. Criteria: ACMG Guidelines, 2015. Collection method: clinical testing. Allele origin: germline. Affected: yes. Observed: 2 variant alleles.

Literature cited by the submitters: PubMed 18976725 (cited by Labcorp Genetics (formerly Invitae), Labcorp); PubMed 29159838 (cited by Labcorp Genetics (formerly Invitae), Labcorp); PubMed 30337596 (cited by Labcorp Genetics (formerly Invitae), Labcorp); PubMed 31074760 (cited by Labcorp Genetics (formerly Invitae), Labcorp).

NM_001142800.2(EYS):c.9333_9334del (p.Lys3111fs)

Genes: EYS (EGF-like photoreceptor maintenance factor; minus strand), PHF3 (PHD finger protein 3; plus strand). Cytogenetic location: 6q12.
Variant type: Deletion.
Coding change: c.9333_9334del on transcript NM_001142800.2 (MANE Select); coding-DNA positions 9333 to 9334, 2 bases deleted (AA; older notation c.9333_9334delAA).
Protein change: p.Lys3111fs; shifts the reading frame from lysine 3111.
Molecular consequence: frameshift variant. On other transcripts: 3 prime UTR variant (5).
Genome position (GRCh38, 1-based): chr6:63,720,697-63,720,698, TT deleted on the plus strand (AA on the coding strand, the reverse complement: EYS is on the minus strand); deleting any 2 consecutive bases within chr6:63,720,697-63,720,700 gives the same sequence; the c. name uses the placement nearest the transcript's 3' end. VCF-style (leftmost placement, unchanged base first): chr6-63720696-ATT-A. GRCh37 (hg19) VCF-style: chr6-64430592-ATT-A.
Other names: c.*6991_*6992del (NM_001290259.2, NM_001370348.2, NM_001370349.2 and 2 more transcripts); c.9396_9397del, p.Lys3132fs (NM_001292009.2); short protein forms K3111fs, K3132fs.
Identifiers: ClinVar variation 1995288 (VCV001995288.5), dbSNP rs1225788826, ClinGen allele CA568118940.